The following is an entry in ClinVar:

NM_198252.3(GSN):c.283C>T (p.His95Tyr)

Gene: GSN (gelsolin; plus strand). Cytogenetic location: 9q33.2.
Variant type: single nucleotide variant.
Coding change: c.283C>T on transcript NM_198252.3 (MANE Select); coding-DNA position 283, C replaced by T.
Protein change: p.His95Tyr; replaces histidine 95 with tyrosine.
Molecular consequence: missense variant. On other transcripts: 5 prime UTR variant (1).
Genome position (GRCh38, 1-based): chr9:121,302,997, C>T. VCF-style: chr9-121302997-C-T. GRCh37 (hg19) VCF-style: chr9-124065275-C-T.
Other names: c.283C>T, p.His95Tyr (NM_001353059.2, NM_001353060.2, NM_001353061.2 and 10 more transcripts); c.316C>T, p.His106Tyr (NM_001353063.2, NM_001353064.2, NM_001353065.2 and 13 more transcripts); c.436C>T, p.His146Tyr (NM_000177.5); c.391C>T, p.His131Tyr (NM_001127663.2); c.334C>T, p.His112Tyr (NM_001258029.2); c.307C>T, p.His103Tyr (NM_001258030.2); c.355C>T, p.His119Tyr (NM_001353076.2); c.-372C>T (NM_001353078.2); short protein forms H119Y, H95Y, H131Y, H103Y, H112Y, H146Y, H106Y.
Identifiers: ClinVar variation 4032817 (VCV004032817.2).

ClinVar aggregate classification (germline): Uncertain significance. Review status: criteria provided, multiple submitters, no conflicts (2 of 4 stars). 2 submissions from 2 submitters: Uncertain significance (2). Last evaluated 2025-08-06.

Conditions:
GSN-related disorder. Also called: GSN-related condition.
Inborn genetic diseases. Identifiers: MedGen C0950123, MeSH D030342.

gnomAD v4.1: 2 of 1,613,894 alleles (0.00012%); highest among the groups gnomAD compares: African/African-American, 0.0027%; no homozygotes.

Submissions (2):

PreventionGenetics, part of Exact Sciences
Classification: Uncertain significance for GSN-related condition. Last evaluated: 2025-08-06. Review status: criteria provided, single submitter. Criteria: ACMG Guidelines, 2015. Collection method: clinical testing. Allele origin: germline.
Comment: The GSN c.436C>T variant is predicted to result in the amino acid substitution p.His146Tyr. To our knowledge, this variant has not been reported in the literature. This variant is reported in 0.011% of alleles in individuals of African descent in gnomAD. At this time, the clinical significance of this variant is uncertain due to the absence of conclusive functional and genetic evidence.

Ambry Genetics
Classification: Uncertain significance for Inborn genetic diseases. Last evaluated: 2025-03-15. Review status: criteria provided, single submitter. Criteria: Ambry Variant Classification Scheme 2023. Collection method: clinical testing. Allele origin: germline.